The following is an entry in ClinVar:

NM_001368882.1(COL13A1):c.503G>A (p.Arg168His)

Gene: COL13A1 (collagen type XIII alpha 1 chain; plus strand). Cytogenetic location: 10q22.1.
Variant type: single nucleotide variant.
Coding change: c.503G>A on transcript NM_001368882.1 (MANE Select); coding-DNA position 503, G replaced by A.
Protein change: p.Arg168His; replaces arginine 168 with histidine.
Molecular consequence: missense variant. On other transcripts: 5 prime UTR variant (1), intron variant (5).
Genome position (GRCh38, 1-based): chr10:69,880,543, G>A. VCF-style: chr10-69880543-G-A. GRCh37 (hg19) VCF-style: chr10-71640299-G-A.
Other names: c.476G>A, p.Arg159His (NM_001130103.2, NM_080800.4, NM_080801.4 and 1 more transcripts); c.503G>A, p.Arg168His (NM_001320951.2, NM_001368884.1); c.467G>A, p.Arg156His (NM_001368883.1, NM_001368885.1); c.-98G>A (NM_001368886.1); c.413G>A, p.Arg138His (NM_001368895.1); c.400-6913G>A (NM_080805.4, NM_001368897.1); c.373-6913G>A (NM_001368898.1, NM_080798.4, NM_001368896.1); short protein forms R159H, R168H, R138H, R156H.
Identifiers: ClinVar variation 1447778 (VCV001447778.5), dbSNP rs367825676, ClinGen allele CA5534187.
Genomic context (GRCh38, chr10:69,880,543, plus strand): 5'-CCCTTCCTCTCTCCCCGCAGGGGTCCCCCGGAGACGCTGGGCTGTCCATCATTGGTCCCC[G>A]CGGCCCCCCTGTAAGTTGTTTTTGCTCTTCCTCGGGGTGTTGGGGGGATGGGTGAGTTGA-3'
Protein context (NP_001355811.1, residues 158-178): GDAGLSIIGP[Arg168His]GPPGQPGTRG

ClinVar aggregate classification (germline): Uncertain significance. Review status: criteria provided, multiple submitters, no conflicts (2 of 4 stars). 2 submissions from 2 submitters: Uncertain significance (2). Last evaluated 2025-10-02.

Conditions:
Congenital myasthenic syndrome 19. Identifiers: Orphanet 590, MedGen C4225235, MONDO:0014745, OMIM 616720.

Allele frequency attached by ClinVar (database versions not stated): ExAC 0.00001; gnomAD exomes 0.00002; ESP Exome Variant Server 0.00008.

Submissions (2):

Labcorp Genetics (formerly Invitae), Labcorp
Classification: Uncertain significance. Last evaluated: 2025-10-02. Review status: criteria provided, single submitter. Criteria: Invitae Variant Classification Sherloc (09022015). Collection method: clinical testing. Allele origin: germline.
Comment: This sequence change replaces arginine, which is basic and polar, with histidine, which is basic and polar, at codon 159 of the COL13A1 protein (p.Arg159His). This variant is present in population databases (rs367825676, gnomAD 0.009%). This variant has not been reported in the literature in individuals affected with COL13A1-related conditions. ClinVar contains an entry for this variant (Variation ID: 1447778). An algorithm developed to predict the effect of missense changes on protein structure and function (PolyPhen-2) suggests that this variant is likely to be disruptive. In summary, the available evidence is currently insufficient to determine the role of this variant in disease. Therefore, it has been classified as a Variant of Uncertain Significance.

Revvity Omics, Revvity
Classification: Uncertain significance for Congenital myasthenic syndrome 19. Last evaluated: 2025-03-26. Review status: criteria provided, single submitter. Criteria: ACMG Guidelines, 2015. Collection method: clinical testing. Allele origin: germline.